The following is an entry in ClinVar:

GRCh37/hg19 15q15.1(chr15:42681074-42684971)x1

Gene: CAPN3 (calpain 3; plus strand). Cytogenetic location: 15q15.1.
Variant type: copy number loss.
Change: copy number 1 (one copy instead of two) of chr15:42,681,074-42,684,971 (3.9 kb, GRCh37 coordinates, 1-based), cytogenetic band 15q15.1.
Identifiers: ClinVar variation 3338427 (VCV003338427.1).

ClinVar aggregate classification (germline): Likely pathogenic (0 of 4 stars; one submission).

Conditions:
Muscular dystrophy, limb-girdle, autosomal dominant 4. Also called: Calpain-3-related limb-girdle muscular dystrophy D4; MUSCULAR DYSTROPHY, LIMB-GIRDLE, TYPE 1I. Identifiers: Orphanet 565909, MedGen C4748295, MONDO:0029133, OMIM 618129.

Submission:

Solve-RD Consortium
Classification: Likely pathogenic for Muscular dystrophy, limb-girdle, autosomal dominant 4. Last evaluated: 2024-06-01. Review status: no assertion criteria provided. Collection method: provider interpretation. Allele origin: germline. Affected: yes.
Comment: This CNV was confirmed by the submitting clinician to impact a gene that corresponds with the phenotype of the affected individual, and thus deemed to be causative for their condition.

Literature cited by the submitters: PubMed 39825153.